The following is an entry in ClinVar:

ClinVar aggregate classification (germline): Likely benign (1 of 4 stars; one submission).

Submission:

CeGaT Center for Human Genetics Tuebingen
Classification: Likely benign. Last evaluated: 2025-08-01. Review status: criteria provided, single submitter. Criteria: CeGaT Center For Human Genetics Tuebingen Variant Classification Criteria Version 2. Collection method: clinical testing. Allele origin: germline. Affected: yes. Observed: 1 variant allele.
Comment: APC: PM2:Supporting, BP4, BP7

NM_000038.6(APC):c.7545A>C (p.Ile2515=)

Gene: APC (APC regulator of Wnt signaling pathway; plus strand). Cytogenetic location: 5q22.2.
Variant type: single nucleotide variant.
Coding change: c.7545A>C on transcript NM_000038.6 (MANE Select); coding-DNA position 7545, A replaced by C.
Protein change: p.Ile2515=; no amino-acid change (isoleucine 2515 retained).
Molecular consequence: synonymous variant. On other transcripts: non-coding transcript variant (2).
Genome position (GRCh38, 1-based): chr5:112,843,139, A>C. VCF-style: chr5-112843139-A-C. GRCh37 (hg19) VCF-style: chr5-112178836-A-C.
Other names: c.7545A>C, p.Ile2515= (NM_001127510.3, NM_001354895.2, NM_001407450.1); c.7491A>C, p.Ile2497= (NM_001127511.3); c.7599A>C, p.Ile2533= (NM_001354896.2, NM_001407447.1, NM_001407448.1 and 1 more transcripts); c.7575A>C, p.Ile2525= (NM_001354897.2); c.7470A>C, p.Ile2490= (NM_001354898.2); c.7461A>C, p.Ile2487= (NM_001354899.2); c.7422A>C, p.Ile2474= (NM_001354900.2); c.7368A>C, p.Ile2456= (NM_001354901.2, NM_001407453.1); and 11 more.
Identifiers: ClinVar variation 4085716 (VCV004085716.8).